The following is an entry in ClinVar:

NM_001098671.2(RASGRP2):c.786C>T (p.His262=)

Gene: RASGRP2 (RAS guanyl releasing protein 2; minus strand). Cytogenetic location: 11q13.1.
Variant type: single nucleotide variant.
Coding change: c.786C>T on transcript NM_001098671.2 (MANE Select); coding-DNA position 786, C replaced by T.
Protein change: p.His262=; no amino-acid change (histidine 262 retained).
Molecular consequence: synonymous variant.
Genome position (GRCh38, 1-based): chr11:64,739,387, G>A on the plus strand (C>T on the coding strand, the complement: RASGRP2 is on the minus strand). VCF-style: chr11-64739387-G-A. GRCh37 (hg19) VCF-style: chr11-64506859-G-A.
Other names: c.786C>T, p.His262= (NM_001098670.2, NM_153819.2); c.351C>T, p.His117= (NM_001318398.2).
Identifiers: ClinVar variation 2064992 (VCV002064992.6), dbSNP rs202011481, ClinGen allele CA6079130.

ClinVar aggregate classification (germline): Benign. Review status: criteria provided, single submitter (1 of 4 stars). 2 submissions from 2 submitters: Benign (1). 1 of the submissions does not count toward it. Last evaluated 2025-10-06.

Conditions:
RASGRP2-related disorder. Also called: RASGRP2-related condition.

Allele frequency attached by ClinVar (database versions not stated): gnomAD exomes 0.00012; gnomAD 0.00014; 1000 Genomes Project 30x 0.00016; TOPMed 0.00018; 1000 Genomes Project 0.00020; ExAC 0.00040.
gnomAD v4.1: 193 of 1,614,180 alleles (0.012%); highest among the groups gnomAD compares: East Asian, 0.42%; no homozygotes.

Submissions (2):

Labcorp Genetics (formerly Invitae), Labcorp
Classification: Benign. Last evaluated: 2025-10-06. Review status: criteria provided, single submitter. Criteria: Invitae Variant Classification Sherloc (09022015). Collection method: clinical testing. Allele origin: germline.

PreventionGenetics, part of Exact Sciences
Classification: Likely benign for RASGRP2-related condition. Last evaluated: 2019-04-09. Review status: no assertion criteria provided. Collection method: clinical testing. Allele origin: germline. Not counted in ClinVar's aggregate classification.
Comment: This variant is classified as likely benign based on ACMG/AMP sequence variant interpretation guidelines (Richards et al. 2015 PMID: 25741868, with internal and published modifications).